The following is an entry in ClinVar:

ClinVar aggregate classification (germline): Likely pathogenic (1 of 4 stars; one submission).

Conditions:
Pheochromocytoma/paraganglioma syndrome 1. Also called: Paragangliomas 1; Glomus tumors familial 1; PARAGANGLIOMATA; PARAGANGLIOMAS, FAMILIAL NONCHROMAFFIN, 1; PGL 1; Paragangliomas familial 1. Identifiers: Orphanet 29072, MedGen C3494181, MONDO:0008192, OMIM 168000.

Submission:

Institute of Human Genetics, University of Leipzig Medical Center
Classification: Likely pathogenic for Pheochromocytoma/paraganglioma syndrome 1. Last evaluated: 2021-12-13. Review status: criteria provided, single submitter. Criteria: ACMG Guidelines, 2015. Collection method: clinical testing. Allele origin: unknown. Affected: yes.

NM_003002.4(SDHD):c.217dup (p.Ser73fs)

Gene: SDHD (succinate dehydrogenase complex subunit D; plus strand). Cytogenetic location: 11q23.1.
Variant type: Duplication.
Coding change: c.217dup on transcript NM_003002.4 (MANE Select); coding-DNA position 217, one base duplicated (A; older notation c.217dupA).
Protein change: p.Ser73fs; shifts the reading frame from serine 73.
Molecular consequence: frameshift variant. On other transcripts: non-coding transcript variant (1), intron variant (1).
Genome position (GRCh38, 1-based): chr11:112,088,914, A duplicated. VCF-style (leftmost placement, unchanged base first): chr11-112088913-C-CA. GRCh37 (hg19) VCF-style: chr11-111959637-C-CA.
Other names: c.100dup, p.Ser34fs (NM_001276504.2); c.217dup, p.Ser73fs (NM_001276506.2); c.169+941dup (NM_001276503.2); short protein forms S34fs, S73fs.
Identifiers: ClinVar variation 1329952 (VCV001329952.1), dbSNP rs2135269358, ClinGen allele CA2573053427.